The following is an entry in ClinVar:

NM_017514.5(PLXNA3):c.2402C>G (p.Pro801Arg)

Gene: PLXNA3 (plexin A3; plus strand). Cytogenetic location: Xq28.
Variant type: single nucleotide variant.
Coding change: c.2402C>G on transcript NM_017514.5 (MANE Select); coding-DNA position 2402, C replaced by G.
Protein change: p.Pro801Arg; replaces proline 801 with arginine.
Molecular consequence: missense variant.
Genome position (GRCh38, 1-based): chrX:154,465,717, C>G. VCF-style: chrX-154465717-C-G. GRCh37 (hg19) VCF-style: chrX-153694060-C-G.
Other names: short protein forms P801R.
Identifiers: ClinVar variation 4988865 (VCV004988865.1).

ClinVar aggregate classification (germline): Uncertain significance (1 of 4 stars; one submission).

Conditions:
PLXNA3-related disorder. Also called: PLXNA3-related condition.

Submission:

PreventionGenetics, part of Exact Sciences
Classification: Uncertain significance for PLXNA3-related condition. Last evaluated: 2025-04-23. Review status: criteria provided, single submitter. Criteria: ACMG Guidelines, 2015. Collection method: clinical testing. Allele origin: germline.
Comment: The PLXNA3 c.2402C>G variant is predicted to result in the amino acid substitution p.Pro801Arg. To our knowledge, this variant has not been reported in the literature or in a large population database, indicating this variant is rare. At this time, the clinical significance of this variant is uncertain due to the absence of conclusive functional and genetic evidence.